The following is an entry in ClinVar:

ClinVar aggregate classification (germline): Conflicting classifications of pathogenicity. Review status: criteria provided, conflicting classifications (1 of 4 stars). 3 submissions from 3 submitters: Uncertain significance (2); Likely benign (1). Last evaluated 2024-05-20.

Conditions:
Immunodeficiency due to CD25 deficiency. Also called: IL2RA DEFICIENCY; CD25 DEFICIENCY; IMMUNODEFICIENCY 41 WITH LYMPHOPROLIFERATION AND AUTOIMMUNITY. Identifiers: Orphanet 169100, MedGen C1853392, MONDO:0011664, OMIM 606367.

Allele frequency attached by ClinVar (database versions not stated): gnomAD 0.00001; TOPMed 0.00001; gnomAD exomes 0.00002 and 0.00005; ExAC 0.00005.
gnomAD v4.1: 39 of 1,613,874 alleles (0.0024%); highest among the groups gnomAD compares: Admixed American, 0.018%; no homozygotes.

Submissions (3):

Women's Health and Genetics/Laboratory Corporation of America, LabCorp
Classification: Uncertain significance. Last evaluated: 2024-05-20. Review status: criteria provided, single submitter. Criteria: LabCorp Variant Classification Summary - May 2015. Collection method: clinical testing. Allele origin: germline.

Labcorp Genetics (formerly Invitae), Labcorp
Classification: Uncertain significance for Immunodeficiency due to CD25 deficiency. Last evaluated: 2023-09-27. Review status: criteria provided, single submitter. Criteria: Invitae Variant Classification Sherloc (09022015). Collection method: clinical testing. Allele origin: germline.
Comment: In summary, the available evidence is currently insufficient to determine the role of this variant in disease. Therefore, it has been classified as a Variant of Uncertain Significance. Variants that disrupt the consensus splice site are a relatively common cause of aberrant splicing (PMID: 17576681, 9536098). Algorithms developed to predict the effect of sequence changes on RNA splicing suggest that this variant may disrupt the consensus splice site. ClinVar contains an entry for this variant (Variation ID: 656865). This variant has not been reported in the literature in individuals affected with IL2RA-related conditions. The frequency data for this variant in the population databases is considered unreliable, as metrics indicate poor data quality at this position in the gnomAD database. This sequence change falls in intron 5 of the IL2RA gene. It does not directly change the encoded amino acid sequence of the IL2RA protein. It affects a nucleotide within the consensus splice site.

Blueprint Genetics
Classification: Likely benign. Last evaluated: 2021-08-23. Review status: criteria provided, single submitter. Criteria: ACMG Guidelines, 2015. Collection method: clinical testing. Allele origin: germline.

Literature cited by the submitters: PubMed 17576681 (cited by Labcorp Genetics (formerly Invitae), Labcorp); PubMed 9536098 (cited by Labcorp Genetics (formerly Invitae), Labcorp).

NM_000417.3(IL2RA):c.655+3G>A

Gene: IL2RA (interleukin 2 receptor subunit alpha; minus strand). Cytogenetic location: 10p15.1.
Variant type: single nucleotide variant.
Coding change: c.655+3G>A on transcript NM_000417.3 (MANE Select); 3 bases into the intron after coding-DNA position 655, G replaced by A.
Molecular consequence: intron variant.
Genome position (GRCh38, 1-based): chr10:6,019,867, C>T on the plus strand (G>A on the coding strand, the complement: IL2RA is on the minus strand). VCF-style: chr10-6019867-C-T. GRCh37 (hg19) VCF-style: chr10-6061830-C-T.
Other names: c.368-368G>A (NM_001308243.2); c.439+3G>A (NM_001308242.2).
Identifiers: ClinVar variation 656865 (VCV000656865.6), dbSNP rs200818520, ClinGen allele CA5397378.